The following is an entry in ClinVar:

ClinVar aggregate classification (germline): Conflicting classifications of pathogenicity. Review status: criteria provided, conflicting classifications (1 of 4 stars). 5 submissions from 5 submitters: Uncertain significance (1); Likely benign (2). 2 of the submissions do not count toward it. Last evaluated 2026-01-25.

Conditions:
Corneal dystrophy. Identifiers: Orphanet 34533, MedGen C0010036, MONDO:0018102, HP:0001131.
Corneal dystrophy-perceptive deafness syndrome (CDPD). Also called: CORNEAL DYSTROPHY AND SENSORINEURAL DEAFNESS; HARBOYAN SYNDROME. Identifiers: Orphanet 1490, MedGen C1857572, MONDO:0009015, OMIM 217400.
SLC4A11-related disorder. Also called: SLC4A11-related condition.

Allele frequency attached by ClinVar (database versions not stated): 1000 Genomes Project 30x 0.00031; ESP Exome Variant Server 0.00038; gnomAD exomes 0.00038 and 0.00045; gnomAD 0.00039 and 0.00040; 1000 Genomes Project 0.00040; ExAC 0.00041; TOPMed 0.00043.
gnomAD v4.1: 627 of 1,613,970 alleles (0.039%); highest among the groups gnomAD compares: Middle Eastern, 0.13%; 1 homozygote.

Submissions (5):

Labcorp Genetics (formerly Invitae), Labcorp
Classification: Likely benign. Last evaluated: 2026-01-25. Review status: criteria provided, single submitter. Criteria: Invitae Variant Classification Sherloc (09022015). Collection method: clinical testing. Allele origin: germline.

Blueprint Genetics
Classification: Likely benign. Last evaluated: 2024-10-15. Review status: criteria provided, single submitter. Criteria: ACMG Guidelines, 2015. Collection method: clinical testing. Allele origin: germline.

Illumina Laboratory Services, Illumina
Classification: Uncertain significance for Corneal dystrophy. Last evaluated: 2018-01-13. Review status: criteria provided, single submitter. Criteria: ICSL Variant Classification Criteria 13 December 2019. Collection method: clinical testing. Allele origin: germline.

Natera, Inc.
Classification: Likely benign for Harboyan syndrome. Last evaluated: 2020-06-03. Review status: no assertion criteria provided. Collection method: clinical testing. Allele origin: germline. Not counted in ClinVar's aggregate classification.

PreventionGenetics, part of Exact Sciences
Classification: Likely benign for SLC4A11-related condition. Last evaluated: 2019-04-29. Review status: no assertion criteria provided. Collection method: clinical testing. Allele origin: germline. Not counted in ClinVar's aggregate classification.
Comment: This variant is classified as likely benign based on ACMG/AMP sequence variant interpretation guidelines (Richards et al. 2015 PMID: 25741868, with internal and published modifications).

NM_001174089.2(SLC4A11):c.765G>A (p.Thr255=)

Gene: SLC4A11 (solute carrier family 4 member 11; minus strand). Cytogenetic location: 20p13.
Variant type: single nucleotide variant.
Coding change: c.765G>A on transcript NM_001174089.2 (MANE Select); coding-DNA position 765, G replaced by A.
Protein change: p.Thr255=; no amino-acid change (threonine 255 retained).
Molecular consequence: synonymous variant. On other transcripts: non-coding transcript variant (1).
Genome position (GRCh38, 1-based): chr20:3,231,513, C>T on the plus strand (G>A on the coding strand, the complement: SLC4A11 is on the minus strand). VCF-style: chr20-3231513-C-T. GRCh37 (hg19) VCF-style: chr20-3212159-C-T.
Other names: c.894G>A, p.Thr298= (NM_001174090.2); c.765G>A, p.Thr255= (NM_001363745.2); c.813G>A, p.Thr271= (NM_032034.4).
Identifiers: ClinVar variation 338252 (VCV000338252.19), dbSNP rs78860240, ClinGen allele CA9742121.
Genomic context (GRCh38, chr20:3,231,513, plus strand): 5'-CTCTGTGCGGGTCTCCAGGAGCTTCTGGCGGAAGGCGATATCCGAGAACATGGTGGCAAA[C>T]GTGCGCGCCACCTCCATCGCAGTCTTAGTGCTTTTCTAGGGGTGGAGGATGGGAGTCACC-3'
Protein context (NP_001167560.1, residues 245-265): STKTAMEVAR[Thr255=]FATMFSDIAF